The following is an entry in ClinVar:

NM_004304.5(ALK):c.487G>A (p.Val163Met)

Gene: ALK (ALK receptor tyrosine kinase; minus strand). Cytogenetic location: 2p23.1.
Variant type: single nucleotide variant.
Coding change: c.487G>A on transcript NM_004304.5 (MANE Select); coding-DNA position 487, G replaced by A.
Protein change: p.Val163Met; replaces valine 163 with methionine.
Molecular consequence: missense variant.
Genome position (GRCh38, 1-based): chr2:29,920,173, C>T on the plus strand (G>A on the coding strand, the complement: ALK is on the minus strand). VCF-style: chr2-29920173-C-T. GRCh37 (hg19) VCF-style: chr2-30143039-C-T.
Other names: c.487G>A (NM_004304.4); short protein forms V163M.
Identifiers: ClinVar variation 1006725 (VCV001006725.9), dbSNP rs55697431, ClinGen allele CA346589952.
Genomic context (GRCh38, chr2:29,920,173, plus strand): 5'-CTTCGCCTTGGCGAATCCACCAACTGAACAGCTCGCTGAGATTGAACTGGAGCAGCCCCA[C>T]AGCCGCCTCCCCGGGGGGCCCGACGCAACCCTCCAAGATCGCCTCCTCGCCCAGCTCCAG-3'
Protein context (NP_004295.2, residues 153-173): GCVGPPGEAA[Val163Met]GLLQFNLSEL

ClinVar aggregate classification (germline): Conflicting classifications of pathogenicity. Review status: criteria provided, conflicting classifications (1 of 4 stars). 2 submissions from 2 submitters: Uncertain significance (1); Likely benign (1). Last evaluated 2025-07-28.

Conditions:
Hereditary cancer-predisposing syndrome. Also called: Hereditary neoplastic syndrome; Neoplastic Syndromes, Hereditary; Tumor predisposition; Hereditary Cancer Syndrome. Identifiers: Orphanet 140162, MedGen C0027672, MeSH D009386, MONDO:0015356.
Neuroblastoma, susceptibility to, 3. Also called: ALK-Related Neuroblastic Tumor Susceptibility. Identifiers: Orphanet 635, MedGen C2751681, MONDO:0013083, OMIM 613014.

gnomAD v4.1: 1 of 1,613,480 alleles (0.000062%); highest among the groups gnomAD compares: Non-Finnish European, 0.000085%; no homozygotes.

Submissions (2):

Ambry Genetics
Classification: Likely benign for Hereditary cancer-predisposing syndrome. Last evaluated: 2025-07-28. Review status: criteria provided, single submitter. Criteria: Ambry Variant Classification Scheme 2023. Collection method: clinical testing. Allele origin: germline.

Labcorp Genetics (formerly Invitae), Labcorp
Classification: Uncertain significance for Neuroblastoma, susceptibility to, 3. Last evaluated: 2025-04-28. Review status: criteria provided, single submitter. Criteria: Invitae Variant Classification Sherloc (09022015). Collection method: clinical testing. Allele origin: germline.
Comment: This sequence change replaces valine, which is neutral and non-polar, with methionine, which is neutral and non-polar, at codon 163 of the ALK protein (p.Val163Met). This variant is not present in population databases (gnomAD no frequency). This variant has not been reported in the literature in individuals affected with ALK-related conditions. ClinVar contains an entry for this variant (Variation ID: 1006725). An algorithm developed to predict the effect of missense changes on protein structure and function (PolyPhen-2) suggests that this variant is likely to be tolerated. In summary, the available evidence is currently insufficient to determine the role of this variant in disease. Therefore, it has been classified as a Variant of Uncertain Significance.